The following is an entry in ClinVar:

ClinVar aggregate classification (germline): Likely benign. Review status: criteria provided, single submitter (1 of 4 stars). 2 submissions from 2 submitters: Likely benign (1). 1 of the submissions does not count toward it. Last evaluated 2025-09-28.

Conditions:
Alkaptonuria (AKU). Also called: Alkaptonuric ochronosis; HOMOGENTISIC ACID OXIDASE DEFICIENCY; Alcaptonuria; Homogentisic acidura. Identifiers: Orphanet 56, MedGen C0002066, MONDO:0008753, OMIM 203500.
HGD-related disorder. Also called: HGD-related condition.

Allele frequency attached by ClinVar (database versions not stated): gnomAD exomes below 0.00001; ExAC 0.00002.

Submissions (2):

Labcorp Genetics (formerly Invitae), Labcorp
Classification: Likely benign for Alkaptonuria. Last evaluated: 2025-09-28. Review status: criteria provided, single submitter. Criteria: Invitae Variant Classification Sherloc (09022015). Collection method: clinical testing. Allele origin: germline.

PreventionGenetics, part of Exact Sciences
Classification: Likely benign for HGD-related condition. Last evaluated: 2019-02-21. Review status: no assertion criteria provided. Collection method: clinical testing. Allele origin: germline. Not counted in ClinVar's aggregate classification.
Comment: This variant is classified as likely benign based on ACMG/AMP sequence variant interpretation guidelines (Richards et al. 2015 PMID: 25741868, with internal and published modifications).

NM_000187.4(HGD):c.1164T>C (p.Pro388=)

Gene: HGD (homogentisate 1,2-dioxygenase; minus strand). Cytogenetic location: 3q13.33.
Variant type: single nucleotide variant.
Coding change: c.1164T>C on transcript NM_000187.4 (MANE Select); coding-DNA position 1164, T replaced by C.
Protein change: p.Pro388=; no amino-acid change (proline 388 retained).
Molecular consequence: synonymous variant.
Genome position (GRCh38, 1-based): chr3:120,633,171, A>G on the plus strand (T>C on the coding strand, the complement: HGD is on the minus strand). VCF-style: chr3-120633171-A-G. GRCh37 (hg19) VCF-style: chr3-120352018-A-G.
Identifiers: ClinVar variation 3050815 (VCV003050815.3), dbSNP rs756204156, ClinGen allele CA2559959.